The following is an entry in ClinVar:

ClinVar aggregate classification (germline): Uncertain significance (0 of 4 stars; one submission).

Conditions:
Prostate cancer. Also called: Malignant tumor of prostate. Identifiers: Orphanet 1331, MedGen C0376358, MONDO:0008315, HP:0012125.

Allele frequency attached by ClinVar (database versions not stated): gnomAD exomes below 0.00001; gnomAD 0.00001.
gnomAD v4.1: 2 of 1,613,710 alleles (0.00012%); highest among the groups gnomAD compares: African/African-American, 0.0027%; no homozygotes.

Submission:

Science for Life laboratory,  Karolinska Institutet
Classification: Uncertain significance for Malignant tumor of prostate. Review status: no assertion criteria provided. Collection method: not provided. Allele origin: somatic.
Comment: TumorID:SWE-12A
ClinVar note: Converted during submission from Unknown to Uncertain significance.

NM_176889.4(TAS2R20):c.254C>G (p.Ser85Cys)

Genes: PRH1 (proline rich protein HaeIII subfamily 1; minus strand), PRH1-PRR4 (PRH1-PRR4 readthrough; minus strand), PRH1-TAS2R14 (PRH1-TAS2R14 readthrough; minus strand), TAS2R20 (taste 2 receptor member 20; minus strand). Cytogenetic location: 12p13.2.
Variant type: single nucleotide variant.
Coding change: c.254C>G on transcript NM_176889.4 (MANE Select); coding-DNA position 254, C replaced by G.
Protein change: p.Ser85Cys; replaces serine 85 with cysteine.
Molecular consequence: missense variant. On other transcripts: intron variant (3).
Genome position (GRCh38, 1-based): chr12:10,997,622, G>C on the plus strand (C>G on the coding strand, the complement: TAS2R20 is on the minus strand). VCF-style: chr12-10997622-G-C. GRCh37 (hg19) VCF-style: chr12-11150221-G-C.
Other names: c.37-23901C>G (NM_001291315.2); c.-125-23901C>G (NM_001291314.2); c.141-23901C>G (NM_001316893.2); short protein forms S85C.
Identifiers: ClinVar variation 161835 (VCV000161835.4), dbSNP rs193920802, ClinGen allele CA174876.